The following is an entry in ClinVar:

NM_000059.4(BRCA2):c.6718C>T (p.Leu2240=)

Gene: BRCA2 (BRCA2 DNA repair associated; plus strand). Cytogenetic location: 13q13.1.
Variant type: single nucleotide variant.
Coding change: c.6718C>T on transcript NM_000059.4 (MANE Select); coding-DNA position 6718, C replaced by T.
Protein change: p.Leu2240=; no amino-acid change (leucine 2240 retained).
Molecular consequence: synonymous variant.
Genome position (GRCh38, 1-based): chr13:32,341,073, C>T. VCF-style: chr13-32341073-C-T. GRCh37 (hg19) VCF-style: chr13-32915210-C-T.
Identifiers: ClinVar variation 495486 (VCV000495486.19), dbSNP rs762191939, ClinGen allele CA6940978.

ClinVar aggregate classification (germline): Likely benign. Review status: criteria provided, multiple submitters, no conflicts (2 of 4 stars). 6 submissions from 6 submitters: Likely benign (6). Last evaluated 2025-10-24.

Conditions:
Hereditary cancer-predisposing syndrome. Also called: Hereditary neoplastic syndrome; Tumor predisposition; Hereditary Cancer Syndrome; Neoplastic Syndromes, Hereditary. Identifiers: Orphanet 140162, MedGen C0027672, MeSH D009386, MONDO:0015356.
Hereditary breast ovarian cancer syndrome. Also called: Hereditary breast and/or ovarian cancer syndrome; BRCA1- and BRCA2-Associated Hereditary Breast and Ovarian Cancer; Breast and ovarian cancer; Hereditary breast and ovarian cancer; Hereditary breast and ovarian cancer syndrome; Hereditary breast and ovarian cancer syndrome (HBOC). Identifiers: Orphanet 145, MedGen C0677776, MeSH D061325, MONDO:0003582. Disease mechanism: loss of function.
BRCA2-related cancer predisposition. Identifiers: MedGen CN377758, MONDO:0700269.

Allele frequency attached by ClinVar (database versions not stated): gnomAD exomes below 0.00001; TOPMed below 0.00001; ExAC 0.00001.
gnomAD v4.1: 2 of 1,613,968 alleles (0.00012%); highest among the groups gnomAD compares: African/African-American, 0.0013%; no homozygotes.

Submissions (6):

Labcorp Genetics (formerly Invitae), Labcorp
Classification: Likely benign for Hereditary breast ovarian cancer syndrome. Last evaluated: 2025-10-24. Review status: criteria provided, single submitter. Criteria: Invitae Variant Classification Sherloc (09022015). Collection method: clinical testing. Allele origin: germline.

All of Us Research Program, National Institutes of Health
Classification: Likely benign for BRCA2-related cancer predisposition. Last evaluated: 2024-09-23. Review status: criteria provided, single submitter. Criteria: ACMG Guidelines, 2015. Collection method: clinical testing. Allele origin: germline. Inheritance: Autosomal dominant inheritance. Observed: 1 variant allele, 1 heterozygote.
Comment: This study involves interpretation of variants in research participants for the purpose of population health screening. Participant phenotype was not available at the time of variant classification. Additional details can be found in publication PMID: 35346344, PMCID: PMC8962531

Quest Diagnostics Nichols Institute San Juan Capistrano
Classification: Likely benign. Last evaluated: 2023-04-12. Review status: criteria provided, single submitter. Criteria: Quest Diagnostics criteria. Collection method: clinical testing. Allele origin: unknown.

Color Diagnostics, LLC DBA Color Health
Classification: Likely benign for Hereditary cancer-predisposing syndrome. Last evaluated: 2020-04-06. Review status: criteria provided, single submitter. Criteria: ACMG Guidelines, 2015. Collection method: clinical testing. Allele origin: germline.

Women's Health and Genetics/Laboratory Corporation of America, LabCorp
Classification: Likely benign. Last evaluated: 2019-08-21. Review status: criteria provided, single submitter. Criteria: LabCorp Variant Classification Summary - May 2015. Collection method: clinical testing. Allele origin: germline.

Ambry Genetics
Classification: Likely benign for Hereditary cancer-predisposing syndrome. Last evaluated: 2018-09-24. Review status: criteria provided, single submitter. Criteria: Ambry Variant Classification Scheme 2023. Collection method: clinical testing. Allele origin: germline.